The following is an entry in ClinVar:

ClinVar aggregate classification (germline): Uncertain significance. Review status: criteria provided, multiple submitters, no conflicts (2 of 4 stars). 2 submissions from 2 submitters: Uncertain significance (2). Last evaluated 2024-11-01.

gnomAD v4.1: 1 of 1,613,898 alleles (0.000062%); highest among the groups gnomAD compares: East Asian, 0.0022%; no homozygotes.

Submissions (2):

GeneDx
Classification: Uncertain significance. Last evaluated: 2024-11-01. Review status: criteria provided, single submitter. Criteria: GeneDx Variant Classification Process June 2021. Collection method: clinical testing. Allele origin: germline. Affected: yes.
Comment: Not observed at significant frequency in large population cohorts (gnomAD); In silico analysis supports that this missense variant has a deleterious effect on protein structure/function; Has not been previously published as pathogenic or benign to our knowledge

Labcorp Genetics (formerly Invitae), Labcorp
Classification: Uncertain significance. Last evaluated: 2024-07-06. Review status: criteria provided, single submitter. Criteria: Invitae Variant Classification Sherloc (09022015). Collection method: clinical testing. Allele origin: germline.
Comment: This sequence change replaces tyrosine, which is neutral and polar, with histidine, which is basic and polar, at codon 1200 of the SCN3A protein (p.Tyr1200His). This variant is not present in population databases (gnomAD no frequency). This variant has not been reported in the literature in individuals affected with SCN3A-related conditions. Advanced modeling of protein sequence and biophysical properties (such as structural, functional, and spatial information, amino acid conservation, physicochemical variation, residue mobility, and thermodynamic stability) has been performed at Invitae for this missense variant, however the output from this modeling did not meet the statistical confidence thresholds required to predict the impact of this variant on SCN3A protein function. In summary, the available evidence is currently insufficient to determine the role of this variant in disease. Therefore, it has been classified as a Variant of Uncertain Significance.

NM_006922.4(SCN3A):c.3598T>C (p.Tyr1200His)

Gene: SCN3A (sodium voltage-gated channel alpha subunit 3; minus strand). Cytogenetic location: 2q24.3.
Variant type: single nucleotide variant.
Coding change: c.3598T>C on transcript NM_006922.4 (MANE Select); coding-DNA position 3598, T replaced by C.
Protein change: p.Tyr1200His; replaces tyrosine 1200 with histidine.
Molecular consequence: missense variant.
Genome position (GRCh38, 1-based): chr2:165,113,887, A>G on the plus strand (T>C on the coding strand, the complement: SCN3A is on the minus strand). VCF-style: chr2-165113887-A-G. GRCh37 (hg19) VCF-style: chr2-165970397-A-G.
Other names: c.3598T>C (NM_006922.3); c.3451T>C, p.Tyr1151His (NM_001081676.2, NM_001081677.2); short protein forms Y1151H, Y1200H.
Identifiers: ClinVar variation 3697212 (VCV003697212.3).
Genomic context (GRCh38, chr2:165,113,887, plus strand): 5'-TACTGAGAAGGATCATGAACACAATGAAAGTCTCAAACCAGTTGTGCTCAACAATACTGT[A>G]GCAGGTTTTTCGAAGATTCCACCAGATCTTCCCTTTGCCTTCTTCTGTACTTACTTGACA-3'
Protein context (NP_008853.3, residues 1190-1210): KIWWNLRKTC[Tyr1200His]SIVEHNWFET